The following is an entry in ClinVar:

NM_004364.5(CEBPA):c.1064G>C (p.Gly355Ala)

Gene: CEBPA (CCAAT enhancer binding protein alpha; minus strand). Cytogenetic location: 19q13.11.
Variant type: single nucleotide variant.
Coding change: c.1064G>C on transcript NM_004364.5 (MANE Select); coding-DNA position 1064, G replaced by C.
Protein change: p.Gly355Ala; replaces glycine 355 with alanine.
Molecular consequence: missense variant.
Genome position (GRCh38, 1-based): chr19:33,301,351, C>G on the plus strand (G>C on the coding strand, the complement: CEBPA is on the minus strand). VCF-style: chr19-33301351-C-G. GRCh37 (hg19) VCF-style: chr19-33792257-C-G.
Other names: c.707G>C, p.Gly236Ala (NM_001285829.2); c.1169G>C, p.Gly390Ala (NM_001287424.2); c.1022G>C, p.Gly341Ala (NM_001287435.2); short protein forms G236A, G341A, G355A, G390A.
Identifiers: ClinVar variation 4868703 (VCV004868703.1).

ClinVar aggregate classification (germline): Uncertain significance (1 of 4 stars; one submission).

Conditions:
Inborn genetic diseases. Identifiers: MedGen C0950123, MeSH D030342.

Submission:

Ambry Genetics
Classification: Uncertain significance for Inborn genetic diseases. Last evaluated: 2026-06-11. Review status: criteria provided, single submitter. Criteria: Ambry Variant Classification Scheme 2023. Collection method: clinical testing. Allele origin: germline.
Comment: The p.G355A variant (also known as c.1064G>C), located in coding exon 1 of the CEBPA gene, results from a G to C substitution at nucleotide position 1064. The glycine at codon 355 is replaced by alanine, an amino acid with similar properties. This amino acid position is conserved. In addition, this alteration is predicted to be tolerated by in silico analysis. Based on the available evidence, the clinical significance of this variant remains unclear.